The following is an entry in ClinVar:

ClinVar aggregate classification (germline): Pathogenic/Likely pathogenic. Review status: criteria provided, multiple submitters, no conflicts (2 of 4 stars). 2 submissions from 2 submitters: Pathogenic (1); Likely pathogenic (1). Last evaluated 2023-04-28.

Conditions:
Deficiency of steroid 17-alpha-monooxygenase. Also called: 17-alpha-hydroxylase/17,20-lyase deficiency; ADRENAL HYPERPLASIA V; 17-ALPHA-HYDROXYLASE DEFICIENCY; Congenital adrenal hyperplasia due to 17-alpha-hydroxylase deficiency; Congenital adrenal hyperplasia type 5. Identifiers: Orphanet 90793, MedGen C0268285, MONDO:0008730, OMIM 202110.

Submissions (2):

Labcorp Genetics (formerly Invitae), Labcorp
Classification: Pathogenic. Last evaluated: 2023-04-28. Review status: criteria provided, single submitter. Criteria: Invitae Variant Classification Sherloc (09022015). Collection method: clinical testing. Allele origin: germline.
Comment: For these reasons, this variant has been classified as Pathogenic. Experimental studies have shown that this missense change affects CYP17A1 function (PMID: 21550081). Advanced modeling of protein sequence and biophysical properties (such as structural, functional, and spatial information, amino acid conservation, physicochemical variation, residue mobility, and thermodynamic stability) performed at Invitae indicates that this missense variant is expected to disrupt CYP17A1 protein function. This missense change has been observed in individual(s) with 17-alpha-hydroxylase deficiency (PMID: 21550081). In at least one individual the data is consistent with being in trans (on the opposite chromosome) from a pathogenic variant. This variant is not present in population databases (gnomAD no frequency). This sequence change replaces alanine, which is neutral and non-polar, with aspartic acid, which is acidic and polar, at codon 82 of the CYP17A1 protein (p.Ala82Asp).

Baylor Genetics
Classification: Likely pathogenic for Deficiency of steroid 17-alpha-monooxygenase. Last evaluated: 2023-04-08. Review status: criteria provided, single submitter. Criteria: ACMG Guidelines, 2015. Collection method: clinical testing. Allele origin: unknown.

Literature cited by the submitters: PubMed 21550081 (cited by Labcorp Genetics (formerly Invitae), Labcorp).

NM_000102.4(CYP17A1):c.245C>A (p.Ala82Asp)

Gene: CYP17A1 (cytochrome P450 family 17 subfamily A member 1; minus strand). Cytogenetic location: 10q24.32.
Variant type: single nucleotide variant.
Coding change: c.245C>A on transcript NM_000102.4 (MANE Select); coding-DNA position 245, C replaced by A.
Protein change: p.Ala82Asp; replaces alanine 82 with aspartic acid.
Molecular consequence: missense variant.
Genome position (GRCh38, 1-based): chr10:102,837,117, G>T on the plus strand (C>A on the coding strand, the complement: CYP17A1 is on the minus strand). VCF-style: chr10-102837117-G-T. GRCh37 (hg19) VCF-style: chr10-104596874-G-T.
Other names: short protein forms A82D.
Identifiers: ClinVar variation 2681108 (VCV002681108.4), dbSNP rs2493245623, ClinGen allele CA377940669.